The following is an entry in ClinVar:

NM_006895.3(HNMT):c.314C>T (p.Thr105Ile)

Gene: HNMT (histamine N-methyltransferase; plus strand). Cytogenetic location: 2q22.1.
Variant type: single nucleotide variant.
Coding change: c.314C>T on transcript NM_006895.3 (MANE Select); coding-DNA position 314, C replaced by T.
Protein change: p.Thr105Ile; replaces threonine 105 with isoleucine.
Molecular consequence: missense variant.
Genome position (GRCh38, 1-based): chr2:138,002,079, C>T. VCF-style: chr2-138002079-C-T. GRCh37 (hg19) VCF-style: chr2-138759649-C-T.
Other names: c.314C>T (NM_006895.2); short protein forms T105I.
Identifiers: ClinVar variation 5160 (VCV000005160.5), dbSNP rs11558538, ClinGen allele CA214746.
Genomic context (GRCh38, chr2:138,002,079, plus strand): 5'-TTGCAATTAAAATTGATGGTGTGTCACCTCTTCTCTGTATTTTAGAGCTTGTAGCCAAGA[C>T]ATCGAACCTCGAGAACGTAAAGTTTGCTTGGCATAAGGAGACATCATCTGAATACCAAAG-3'
Protein context (NP_008826.1, residues 95-115): IAKYKELVAK[Thr105Ile]SNLENVKFAW

ClinVar aggregate classification (germline): Benign; risk factor. Review status: no assertion criteria provided (0 of 4 stars). 2 submissions from 2 submitters: Benign (1). Last evaluated 2019-11-25.

Conditions:
HNMT-related disorder. Also called: HNMT-related condition.
Inherited susceptibility to asthma. Also called: Asthma, susceptibility to; ASTHMA, BRONCHIAL; ASTHMA-RELATED TRAITS, SUSCEPTIBILITY TO. Identifiers: MedGen C1869116, MONDO:0010940, OMIM 600807.

Allele frequency attached by ClinVar (database versions not stated): 1000 Genomes Project 0.05950; 1000 Genomes Project 30x 0.06027; TOPMed 0.07334; gnomAD 0.08359 and 0.08383; gnomAD exomes 0.09980 and 0.10512; ExAC 0.10173.
gnomAD v4.1: 163,058 of 1,585,920 alleles (10%); highest among the groups gnomAD compares: Middle Eastern, 11%; 9,188 homozygotes.

Submissions (2):

PreventionGenetics, part of Exact Sciences
Classification: Benign for HNMT-related condition. Last evaluated: 2019-11-25. Review status: no assertion criteria provided. Collection method: clinical testing. Allele origin: germline.
Comment: This variant is classified as benign based on ACMG/AMP sequence variant interpretation guidelines (Richards et al. 2015 PMID: 25741868, with internal and published modifications).

OMIM
Classification: risk factor for ASTHMA, SUSCEPTIBILITY TO. Last evaluated: 2005-02-01. Review status: no assertion criteria provided. Collection method: literature only. Allele origin: germline.

Literature cited by the submitters: Preuss, C. V., Wood, T. C., Szumlanski, C. L., Raftogianis, R. B., Otterness, D. M., Girard, B., Scott, M. C., Weinshilboum, R. M. Human histamine N-methyltransferase pharmacogenetics: common genetic polymorphisms that alter activity. Molec. Pharm. 53: 708-717, 1998. (cited by OMIM); PubMed 10803682 (cited by OMIM); PubMed 10752634 (cited by OMIM); Deindl, P., Peri-Jerkan, S., Deichmann, K., Niggemann, B., Lau, S., Sommerfeld, C., Sengler, C., Muller, S., Wahn, U., Nickel, R., Heinzmann, A., German Multicenter Atopy Study Group No association of histamine-N-methyltransferase polymorphism with asthma or bronchial hyperresponsiveness in two German pediatric populations. Pediat. Allergy Immun. 16: 40-42, 2005. (cited by OMIM); PubMed 16205835 (cited by OMIM).